The following is an entry in ClinVar:

NM_030943.4(AMN):c.1257G>A (p.Leu419=)

Gene: AMN (amnion associated transmembrane protein; plus strand). Cytogenetic location: 14q32.32.
Variant type: single nucleotide variant.
Coding change: c.1257G>A on transcript NM_030943.4 (MANE Select); coding-DNA position 1257, G replaced by A.
Protein change: p.Leu419=; no amino-acid change (leucine 419 retained).
Molecular consequence: synonymous variant.
Genome position (GRCh38, 1-based): chr14:102,930,493, G>A. VCF-style: chr14-102930493-G-A. GRCh37 (hg19) VCF-style: chr14-103396830-G-A.
Identifiers: ClinVar variation 1468534 (VCV001468534.6), dbSNP rs2139313588, ClinGen allele CA488192726.

ClinVar aggregate classification (germline): Uncertain significance (1 of 4 stars; one submission).

Conditions:
Imerslund-Grasbeck syndrome. Also called: PERNICIOUS ANEMIA, JUVENILE, DUE TO SELECTIVE INTESTINAL MALABSORPTION OF VITAMIN B12, WITH PROTEINURIA; ENTEROCYTE COBALAMIN MALABSORPTION; ENTEROCYTE INTRINSIC FACTOR RECEPTOR, DEFECT OF; Imerslund-Gräsbeck syndrome; Megaloblastic anemia due to inborn errors of metabolism. Identifiers: Orphanet 35858, MedGen C4551825, MONDO:0009853.

Submission:

Labcorp Genetics (formerly Invitae), Labcorp
Classification: Uncertain significance for Imerslund-Grasbeck syndrome. Last evaluated: 2022-11-14. Review status: criteria provided, single submitter. Criteria: Invitae Variant Classification Sherloc (09022015). Collection method: clinical testing. Allele origin: germline.
Comment: In summary, the available evidence is currently insufficient to determine the role of this variant in disease. Therefore, it has been classified as a Variant of Uncertain Significance. Variants that disrupt the consensus splice site are a relatively common cause of aberrant splicing (PMID: 17576681, 9536098). Algorithms developed to predict the effect of sequence changes on RNA splicing suggest that this variant may disrupt the consensus splice site. ClinVar contains an entry for this variant (Variation ID: 1468534). This variant has not been reported in the literature in individuals affected with AMN-related conditions. This variant is not present in population databases (gnomAD no frequency). This sequence change affects codon 419 of the AMN mRNA. It is a 'silent' change, meaning that it does not change the encoded amino acid sequence of the AMN protein. This variant also falls at the last nucleotide of exon 11, which is part of the consensus splice site for this exon.

Literature cited by the submitters: PubMed 17576681; PubMed 9536098.